The following is an entry in ClinVar:

NM_001112704.2(VAX1):c.212del (p.Pro71fs)

Gene: VAX1 (ventral anterior homeobox 1; minus strand). Cytogenetic location: 10q25.3.
Variant type: Deletion.
Coding change: c.212del on transcript NM_001112704.2 (MANE Select); coding-DNA position 212, one base deleted (C; older notation c.212delC).
Protein change: p.Pro71fs; shifts the reading frame from proline 71.
Molecular consequence: frameshift variant.
Genome position (GRCh38, 1-based): chr10:117,137,845, G deleted on the plus strand (C on the coding strand, the reverse complement: VAX1 is on the minus strand); the first of 3 consecutive G bases (chr10:117,137,845-117,137,847); deleting any one gives the same sequence. VCF-style (leftmost placement, unchanged base first): chr10-117137844-CG-C. GRCh37 (hg19) VCF-style: chr10-118897355-CG-C.
Other names: c.212del, p.Pro71fs (NM_199131.3); short protein forms P71fs.
Identifiers: ClinVar variation 1710333 (VCV001710333.1), dbSNP rs2493443432, ClinGen allele CA2580082389.

ClinVar aggregate classification (germline): Likely pathogenic (1 of 4 stars; one submission).

Conditions:
Microphthalmia. Also called: Microphthalmos. Identifiers: MedGen C0026010, MONDO:0021129, HP:0000568.

Submission:

Genetics Department, University Hospital of Toulouse
Classification: Likely pathogenic for Microphthalmia. Last evaluated: 2022-10-15. Review status: criteria provided, single submitter. Criteria: ACMG Guidelines, 2015. Collection method: clinical testing. Allele origin: germline. Affected: yes.
Comment: LP (PVS1, PM2). variant was found heterozygous without a second (likely) pathogenic variant in the gene, parental segregation not performed.